The following is an entry in ClinVar:

NM_002506.3(NGF):c.104C>T (p.Ala35Val)

Genes: NGF (nerve growth factor; minus strand), NGF-AS1 (NGF antisense RNA 1; plus strand). Cytogenetic location: 1p13.2.
Variant type: single nucleotide variant.
Coding change: c.104C>T on transcript NM_002506.3 (MANE Select); coding-DNA position 104, C replaced by T.
Protein change: p.Ala35Val; replaces alanine 35 with valine.
Molecular consequence: missense variant.
Genome position (GRCh38, 1-based): chr1:115,286,692, G>A on the plus strand (C>T on the coding strand, the complement: NGF is on the minus strand). VCF-style: chr1-115286692-G-A. GRCh37 (hg19) VCF-style: chr1-115829313-G-A.
Other names: short protein forms A35V.
Identifiers: ClinVar variation 291993 (VCV000291993.32), dbSNP rs6330, ClinGen allele CA1023067.

ClinVar aggregate classification (germline): Benign. Review status: criteria provided, multiple submitters, no conflicts (2 of 4 stars). 9 submissions from 9 submitters: Benign (7). 2 of the submissions do not count toward it. Last evaluated 2026-02-04.

Conditions:
Congenital sensory neuropathy with selective loss of small myelinated fibers (HSAN5). Also called: HSAN Type V. Identifiers: Orphanet 64752, MedGen C0020075, MONDO:0012092, OMIM 608654.

Allele frequency attached by ClinVar (database versions not stated): 1000 Genomes Project 0.24740; 1000 Genomes Project 30x 0.24953; TOPMed 0.34072; gnomAD 0.35449 and 0.36049; ExAC 0.36557; ESP Exome Variant Server 0.36914; gnomAD exomes 0.36953 and 0.42400.
gnomAD v4.1: 672,108 of 1,613,944 alleles (42%); highest among the groups gnomAD compares: Non-Finnish European, 46%; 146,862 homozygotes.

Submissions (9):

Labcorp Genetics (formerly Invitae), Labcorp
Classification: Benign for Congenital sensory neuropathy with selective loss of small myelinated fibers. Last evaluated: 2026-02-04. Review status: criteria provided, single submitter. Criteria: Invitae Variant Classification Sherloc (09022015). Collection method: clinical testing. Allele origin: germline.

ARUP Laboratories, Molecular Genetics and Genomics, ARUP Laboratories
Classification: Benign for Congenital sensory neuropathy with selective loss of small myelinated fibers. Last evaluated: 2025-07-30. Review status: criteria provided, single submitter. Criteria: ARUP Molecular Germline Variant Investigation Process 2024. Collection method: clinical testing. Allele origin: germline.

Genome-Nilou Lab
Classification: Benign for Congenital sensory neuropathy with selective loss of small myelinated fibers. Last evaluated: 2023-04-11. Review status: criteria provided, single submitter. Criteria: ACMG Guidelines, 2015. Collection method: clinical testing. Allele origin: germline. Affected: no.

Illumina Laboratory Services, Illumina
Classification: Benign for Congenital sensory neuropathy with selective loss of small myelinated fibers. Last evaluated: 2017-04-27. Review status: criteria provided, single submitter. Criteria: ICSL Variant Classification Criteria 13 December 2019. Collection method: clinical testing. Allele origin: germline.
Comment: This variant was observed as part of a predisposition screen in an ostensibly healthy population. A literature search was performed for the gene, cDNA change, and amino acid change (where applicable). No publications were found based on this search. Allele frequency data from public databases was too high to be consistent with this variant causing disease. Therefore, this variant is classified as benign.

Mayo Clinic Laboratories, Mayo Clinic
Classification: Benign. Last evaluated: 2015-08-27. Review status: criteria provided, single submitter. Criteria: ACMG Guidelines, 2015. Collection method: clinical testing. Allele origin: germline. Observed: 1,044 variant alleles.

GeneDx
Classification: Benign. Last evaluated: 2015-03-03. Review status: criteria provided, single submitter. Criteria: GeneDx Variant Classification Process June 2021. Collection method: clinical testing. Allele origin: germline. Affected: yes.
Comment: This variant is associated with the following publications: (PMID: 18763222, 22330829)

Breakthrough Genomics
Classification: Benign. Review status: criteria provided, single submitter. Criteria: ACMG Guidelines, 2015. Collection method: not provided. Allele origin: germline. Inheritance: Autosomal recessive inheritance. Affected: yes.

Clinical Genetics, Academic Medical Center
Classification: Benign. Review status: no assertion criteria provided. Collection method: clinical testing. Allele origin: germline. Affected: yes. Study: VKGL Data-share Consensus. Not counted in ClinVar's aggregate classification.

Diagnostic Laboratory, Department of Genetics, University Medical Center Groningen
Classification: Benign for Congenital sensory neuropathy with selective loss of small myelinated fibers. Review status: no assertion criteria provided. Collection method: clinical testing. Allele origin: germline. Affected: yes. Study: VKGL Data-share Consensus. Not counted in ClinVar's aggregate classification.